The following is an entry in ClinVar:

ClinVar aggregate classification (germline): Conflicting classifications of pathogenicity. Review status: criteria provided, conflicting classifications (1 of 4 stars). 2 submissions from 2 submitters: Likely pathogenic (1); Uncertain significance (1). Last evaluated 2026-05-27.

Conditions:
Marfan syndrome (MFS). Also called: FBN1-Related Marfan Syndrome; MARFAN SYNDROME, TYPE I; Marfan syndrome type 1; Marfan's syndrome; Marfan syndrome, classic. Identifiers: Orphanet 284963, Orphanet 558, MedGen C0024796, MONDO:0007947, OMIM 154700.
Familial thoracic aortic aneurysm and aortic dissection (TAAD). Also called: Thoracic aortic aneurysms and dissections. Identifiers: Orphanet 91387, MedGen C4707243, MONDO:0019625.

Submissions (2):

Ambry Genetics
Classification: Uncertain significance for Familial thoracic aortic aneurysm and aortic dissection. Last evaluated: 2026-05-27. Review status: criteria provided, single submitter. Criteria: Ambry Variant Classification Scheme 2023. Collection method: clinical testing. Allele origin: germline.
Comment: The p.G2473D variant (also known as c.7418G>A), located in coding exon 59 of the FBN1 gene, results from a G to A substitution at nucleotide position 7418. The glycine at codon 2473 is replaced by aspartic acid, an amino acid with similar properties. This variant was reported in individual(s) with features consistent with aortic aneurysm or dissection and segregated with disease in at least one family (external communication; Ambry internal data). This amino acid position is highly conserved in available vertebrate species. In addition, this alteration is predicted to be deleterious by in silico analysis. Based on the available evidence, the clinical significance of this variant remains unclear.

Labcorp Genetics (formerly Invitae), Labcorp
Classification: Likely pathogenic for Marfan syndrome; Familial thoracic aortic aneurysm and aortic dissection. Last evaluated: 2024-10-24. Review status: criteria provided, single submitter. Criteria: Invitae Variant Classification Sherloc (09022015). Collection method: clinical testing. Allele origin: germline.
Comment: This sequence change replaces glycine, which is neutral and non-polar, with aspartic acid, which is acidic and polar, at codon 2473 of the FBN1 protein (p.Gly2473Asp). This variant is not present in population databases (gnomAD no frequency). This missense change has been observed in individual(s) with clinical features of Marfan syndrome (internal data). It has also been observed to segregate with disease in related individuals. ClinVar contains an entry for this variant (Variation ID: 1037043). Invitae Evidence Modeling of protein sequence and biophysical properties (such as structural, functional, and spatial information, amino acid conservation, physicochemical variation, residue mobility, and thermodynamic stability) indicates that this missense variant is expected to disrupt FBN1 protein function with a positive predictive value of 95%. In summary, the currently available evidence indicates that the variant is pathogenic, but additional data are needed to prove that conclusively. Therefore, this variant has been classified as Likely Pathogenic.

NM_000138.5(FBN1):c.7418G>A (p.Gly2473Asp)

Gene: FBN1 (fibrillin 1; minus strand). Cytogenetic location: 15q21.1.
Variant type: single nucleotide variant.
Coding change: c.7418G>A on transcript NM_000138.5 (MANE Select); coding-DNA position 7418, G replaced by A.
Protein change: p.Gly2473Asp; replaces glycine 2473 with aspartic acid.
Molecular consequence: missense variant.
Genome position (GRCh38, 1-based): chr15:48,425,404, C>T on the plus strand (G>A on the coding strand, the complement: FBN1 is on the minus strand). VCF-style: chr15-48425404-C-T. GRCh37 (hg19) VCF-style: chr15-48717601-C-T.
Other names: c.7418G>A (NM_000138.4); short protein forms G2473D.
Identifiers: ClinVar variation 1037043 (VCV001037043.12), dbSNP rs2042971166, ClinGen allele CA392327725.